The following is an entry in ClinVar:

ClinVar aggregate classification (germline): Pathogenic. Review status: criteria provided, single submitter (1 of 4 stars). 3 submissions from 3 submitters: Pathogenic (1). 2 of the submissions do not count toward it.

Conditions:
Oocyte/zygote/embryo maturation arrest 25. Identifiers: MedGen C6065949, MONDO:0980964, OMIM 621471.
Hydatidiform mole, recurrent, 1 (HYDM1). Identifiers: Orphanet 254688, Orphanet 99927, MedGen C3463897, MONDO:0009273, OMIM 231090. Disease mechanism: loss of function.

Allele frequency attached by ClinVar (database versions not stated): gnomAD 0.00001; TOPMed 0.00002; ExAC 0.00003; gnomAD exomes 0.00004.
gnomAD v4.1: 6 of 1,613,586 alleles (0.00037%); highest among the groups gnomAD compares: East Asian, 0.0089%; no homozygotes.

Submissions (3):

Juno Genomics, Hangzhou Juno Genomics, Inc
Classification: Pathogenic for Oocyte/zygote/embryo maturation arrest 25; Hydatidiform mole, recurrent, 1. Review status: criteria provided, single submitter. Criteria: ACMG Guidelines, 2015. Collection method: clinical testing. Allele origin: germline. Affected: yes.
Comment: Absent from controls (or at extremely low frequency if recessive) in Genome Aggregation Database.;Null variant in a gene where loss of function (LOF) is a known mechanism of disease.;For recessive disorders, detected in trans with a pathogenic variant.;Patient's phenotype or family history is highly specific for a disease with a single genetic etiology.

OMIM
Classification: Pathogenic for HYDATIDIFORM MOLE, RECURRENT, 1. Last evaluated: 2009-08-01. Review status: no assertion criteria provided. Collection method: literature only. Allele origin: germline. Not counted in ClinVar's aggregate classification.

Unité médicale des maladies autoinflammatoires, CHRU Montpellier
No classification provided. Condition: Hydatidiform mole. Review status: no classification provided. Collection method: not provided. Allele origin: unknown. Not counted in ClinVar's aggregate classification.

Literature cited by the submitters: PubMed 19066229 (cited by OMIM); PubMed 19246479 (cited by OMIM).

NM_001127255.2(NLRP7):c.1294C>T (p.Arg432Ter)

Gene: NLRP7 (NLR family pyrin domain containing 7; minus strand). Cytogenetic location: 19q13.42.
Variant type: single nucleotide variant.
Coding change: c.1294C>T on transcript NM_001127255.2 (MANE Select); coding-DNA position 1294, C replaced by T.
Protein change: p.Arg432Ter; replaces arginine 432 with a stop codon.
Molecular consequence: nonsense.
Genome position (GRCh38, 1-based): chr19:54,939,525, G>A on the plus strand (C>T on the coding strand, the complement: NLRP7 is on the minus strand). VCF-style: chr19-54939525-G-A. GRCh37 (hg19) VCF-style: chr19-55450893-G-A.
Other names: c.1294C>T, p.Arg432Ter (NM_001405531.1, NM_139176.4, NM_206828.4); short protein forms R432*.
Identifiers: ClinVar variation 1589 (VCV000001589.4), dbSNP rs104895530, ClinGen allele CA115084.
Genomic context (GRCh38, chr19:54,939,525, plus strand): 5'-CTCCGTCCAGGAACAGACGGAGGTCGGACTCCTGCACCCCGAGCCTTTCCAGGTCCTCTC[G>A]GTGGAACACGGACATCTGCGCCCACAGGCCCTGCGCGGCCAGGAGGCTCAGCGTCCGCAG-3'